The following is an entry in ClinVar:

ClinVar aggregate classification (germline): Uncertain significance. Review status: criteria provided, multiple submitters, no conflicts (2 of 4 stars). 2 submissions from 2 submitters: Uncertain significance (2). Last evaluated 2023-04-16.

Submissions (2):

GeneDx
Classification: Uncertain significance. Last evaluated: 2023-04-16. Review status: criteria provided, single submitter. Criteria: GeneDx Variant Classification Process June 2021. Collection method: clinical testing. Allele origin: germline. Affected: yes.
Comment: Not observed at significant frequency in large population cohorts (gnomAD); In silico analysis supports that this missense variant has a deleterious effect on protein structure/function; Has not been previously published as pathogenic or benign to our knowledge

Labcorp Genetics (formerly Invitae), Labcorp
Classification: Uncertain significance. Last evaluated: 2021-12-18. Review status: criteria provided, single submitter. Criteria: Invitae Variant Classification Sherloc (09022015). Collection method: clinical testing. Allele origin: germline.
Comment: In summary, the available evidence is currently insufficient to determine the role of this variant in disease. Therefore, it has been classified as a Variant of Uncertain Significance. This variant disrupts the p.Gly163 amino acid residue in GPR143. Other variant(s) that disrupt this residue have been observed in individuals with GPR143-related conditions (PMID: 12868035), which suggests that this may be a clinically significant amino acid residue. Algorithms developed to predict the effect of missense changes on protein structure and function are either unavailable or do not agree on the potential impact of this missense change (SIFT: "Deleterious"; PolyPhen-2: "Probably Damaging"; Align-GVGD: "Class C15"). This missense change has been observed in individual(s) with ocular albinism (Invitae). This variant is not present in population databases (gnomAD no frequency). This sequence change replaces glycine, which is neutral and non-polar, with arginine, which is basic and polar, at codon 163 of the GPR143 protein (p.Gly163Arg).

Literature cited by the submitters: PubMed 12868035 (cited by Labcorp Genetics (formerly Invitae), Labcorp).

NM_000273.3(GPR143):c.487G>C (p.Gly163Arg)

Gene: GPR143 (G protein-coupled receptor 143; minus strand). Cytogenetic location: Xp22.2.
Variant type: single nucleotide variant.
Coding change: c.487G>C on transcript NM_000273.3 (MANE Select); coding-DNA position 487, G replaced by C.
Protein change: p.Gly163Arg; replaces glycine 163 with arginine.
Molecular consequence: missense variant.
Genome position (GRCh38, 1-based): chrX:9,748,635, C>G on the plus strand (G>C on the coding strand, the complement: GPR143 is on the minus strand). VCF-style: chrX-9748635-C-G. GRCh37 (hg19) VCF-style: chrX-9716675-C-G.
Other names: c.487G>C (NM_000273.2); short protein forms G163R.
Identifiers: ClinVar variation 1448177 (VCV001448177.6), dbSNP rs2146691591, ClinGen allele CA411997766.